The following is an entry in ClinVar:

ClinVar aggregate classification (germline): Uncertain significance (1 of 4 stars; one submission).

Allele frequency attached by ClinVar (database versions not stated): gnomAD exomes below 0.00001.
gnomAD v4.1: 1 of 1,614,102 alleles (0.000062%); highest among the groups gnomAD compares: Non-Finnish European, 0.000085%; no homozygotes.

Submission:

GeneDx
Classification: Uncertain significance. Last evaluated: 2022-04-15. Review status: criteria provided, single submitter. Criteria: GeneDx Variant Classification Process June 2021. Collection method: clinical testing. Allele origin: germline. Affected: yes.
Comment: Not observed at significant frequency in large population cohorts (gnomAD); In silico analysis supports that this missense variant has a deleterious effect on protein structure/function; Has not been previously published as pathogenic or benign to our knowledge

NM_005121.3(MED13):c.1097A>T (p.Lys366Ile)

Gene: MED13 (mediator complex subunit 13; minus strand). Cytogenetic location: 17q23.2.
Variant type: single nucleotide variant.
Coding change: c.1097A>T on transcript NM_005121.3 (MANE Select); coding-DNA position 1097, A replaced by T.
Protein change: p.Lys366Ile; replaces lysine 366 with isoleucine.
Molecular consequence: missense variant.
Genome position (GRCh38, 1-based): chr17:62,029,926, T>A on the plus strand (A>T on the coding strand, the complement: MED13 is on the minus strand). VCF-style: chr17-62029926-T-A. GRCh37 (hg19) VCF-style: chr17-60107287-T-A.
Other names: short protein forms K366I.
Identifiers: ClinVar variation 1712555 (VCV001712555.2), dbSNP rs2509157079, ClinGen allele CA400785333.
Genomic context (GRCh38, chr17:62,029,926, plus strand): 5'-TTCATATTGCATTCTTGCCAAACTCTATCCACCACATGATTTGCTAATTTTCTGGGTATT[T>A]TCCCACCATGGTGGCTAGTACTATCGGAGTTGAAGCCATCAGATACTGAAGAAAATTTGA-3'
Protein context (NP_005112.2, residues 356-376): NSDSTSHHGG[Lys366Ile]IPRKLANHVV